The following is an entry in ClinVar:

ClinVar aggregate classification (germline): Uncertain significance. Review status: criteria provided, multiple submitters, no conflicts (2 of 4 stars). 3 submissions from 3 submitters: Uncertain significance (3). Last evaluated 2025-12-08.

Conditions:
Cardiovascular phenotype. Identifiers: MedGen CN230736.
CACNA2D1-related disorder. Also called: CACNA2D1-related condition.
Brugada syndrome. Also called: Sudden Unexplained Death Syndrome; Sudden Unexplained Nocturnal Death Syndrome (SUNDS); Sudden unexplained nocturnal death syndrome; Sudden unexpected nocturnal death syndrome. Identifiers: Orphanet 130, MedGen C1142166, MONDO:0015263.

Allele frequency attached by ClinVar (database versions not stated): gnomAD exomes below 0.00001 and 0.00001; gnomAD 0.00001; TOPMed 0.00001; ExAC 0.00002.
gnomAD v4.1: 7 of 1,608,912 alleles (0.00044%); highest among the groups gnomAD compares: East Asian, 0.011%; no homozygotes.

Submissions (3):

Labcorp Genetics (formerly Invitae), Labcorp
Classification: Uncertain significance for Brugada syndrome. Last evaluated: 2025-12-08. Review status: criteria provided, single submitter. Criteria: Invitae Variant Classification Sherloc (09022015). Collection method: clinical testing. Allele origin: germline.
Comment: This sequence change replaces glutamic acid, which is acidic and polar, with glutamine, which is neutral and polar, at codon 642 of the CACNA2D1 protein (p.Glu642Gln). This variant is present in population databases (rs775481386, gnomAD 0.01%). This variant has not been reported in the literature in individuals affected with CACNA2D1-related conditions. ClinVar contains an entry for this variant (Variation ID: 950879). An algorithm developed to predict the effect of missense changes on protein structure and function (PolyPhen-2) suggests that this variant is likely to be disruptive. In summary, the available evidence is currently insufficient to determine the role of this variant in disease. Therefore, it has been classified as a Variant of Uncertain Significance.

PreventionGenetics, part of Exact Sciences
Classification: Uncertain significance for CACNA2D1-related condition. Last evaluated: 2025-06-11. Review status: criteria provided, single submitter. Criteria: ACMG Guidelines, 2015. Collection method: clinical testing. Allele origin: germline.
Comment: The CACNA2D1 c.1924G>C variant is predicted to result in the amino acid substitution p.Glu642Gln. To our knowledge, this variant has not been reported in the literature. This variant is reported in 0.011% of alleles in individuals of East Asian descent in gnomAD. At this time, the clinical significance of this variant is uncertain due to the absence of conclusive functional and genetic evidence.

Ambry Genetics
Classification: Uncertain significance for Cardiovascular phenotype. Last evaluated: 2024-02-25. Review status: criteria provided, single submitter. Criteria: Ambry Variant Classification Scheme 2023. Collection method: clinical testing. Allele origin: germline.
Comment: The p.E642Q variant (also known as c.1924G>C), located in coding exon 24 of the CACNA2D1 gene, results from a G to C substitution at nucleotide position 1924. The glutamic acid at codon 642 is replaced by glutamine, an amino acid with highly similar properties. This amino acid position is conserved. In addition, this alteration is predicted to be tolerated by in silico analysis. Since supporting evidence is limited at this time, the clinical significance of this alteration remains unclear.

NM_000722.4(CACNA2D1):c.1924G>C (p.Glu642Gln)

Gene: CACNA2D1 (calcium voltage-gated channel auxiliary subunit alpha2delta 1; minus strand). Cytogenetic location: 7q21.11.
Variant type: single nucleotide variant.
Coding change: c.1924G>C on transcript NM_000722.4 (MANE Select); coding-DNA position 1924, G replaced by C.
Protein change: p.Glu642Gln; replaces glutamic acid 642 with glutamine.
Molecular consequence: missense variant.
Genome position (GRCh38, 1-based): chr7:81,982,598, C>G on the plus strand (G>C on the coding strand, the complement: CACNA2D1 is on the minus strand). VCF-style: chr7-81982598-C-G. GRCh37 (hg19) VCF-style: chr7-81611914-C-G.
Other names: c.1960G>C, p.Glu654Gln (NM_001366867.1); short protein forms E642Q, E654Q.
Identifiers: ClinVar variation 950879 (VCV000950879.12), dbSNP rs775481386, ClinGen allele CA4317819.
Genomic context (GRCh38, chr7:81,982,598, plus strand): 5'-AGATGTATCAAAAATACAACAAAACCAACCTTGGTGCTATGAATGTATAGCCAGATTCTT[C>G]AAAATTATCTGGCTTCAGGGTTTCCGAATCTGCAAAGATAATGTTACAGGATTAGATAGG-3'
Protein context (NP_000713.2, residues 632-652): DSETLKPDNF[Glu642Gln]ESGYTFIAPR